The following is an entry in ClinVar:

ClinVar aggregate classification (germline): Benign/Likely benign. Review status: criteria provided, multiple submitters, no conflicts (2 of 4 stars). 5 submissions from 5 submitters: Benign (1); Likely benign (4). Last evaluated 2026-02-01.

Conditions:
Encephalopathy, acute, infection-induced (herpes-specific), susceptibility to, 1. Also called: Herpes simplex encephalitis, susceptibility to, 1. Identifiers: Orphanet 1930, MedGen C2750180, MONDO:0024563, OMIM 610551.

Allele frequency attached by ClinVar (database versions not stated): ESP Exome Variant Server 0.00294; gnomAD exomes 0.00318 and 0.00407; 1000 Genomes Project 0.00120; gnomAD 0.00314 and 0.00307; ExAC 0.00445; 1000 Genomes Project 30x 0.00141; TOPMed 0.00255.
gnomAD v4.1: 6,301 of 1,609,246 alleles (0.39%); highest among the groups gnomAD compares: Non-Finnish European, 0.48%; 16 homozygotes.

Submissions (5):

Labcorp Genetics (formerly Invitae), Labcorp
Classification: Benign for Encephalopathy, acute, infection-induced (herpes-specific), susceptibility to, 1. Last evaluated: 2026-02-01. Review status: criteria provided, single submitter. Criteria: Invitae Variant Classification Sherloc (09022015). Collection method: clinical testing. Allele origin: germline.

Blueprint Genetics
Classification: Likely benign. Last evaluated: 2024-11-21. Review status: criteria provided, single submitter. Criteria: ACMG Guidelines, 2015. Collection method: clinical testing. Allele origin: germline.

Clinical Genetics DNA and cytogenetics Diagnostics Lab, Erasmus MC, Erasmus Medical Center
Classification: Likely benign for Encephalopathy, acute, infection-induced (herpes-specific), susceptibility to, 1. Last evaluated: 2017-06-28. Review status: criteria provided, single submitter. Criteria: ACGS Guidelines, 2013. Collection method: clinical testing. Allele origin: germline. Affected: yes. Study: VKGL Data-share Consensus.

Genome Diagnostics Laboratory, University Medical Center Utrecht
Classification: Likely benign for Encephalopathy, acute, infection-induced (herpes-specific), susceptibility to, 1. Last evaluated: 2017-06-02. Review status: criteria provided, single submitter. Criteria: ACGS Guidelines, 2013. Collection method: clinical testing. Allele origin: germline. Affected: yes. Study: VKGL Data-share Consensus.

Laboratory for Molecular Medicine, Mass General Brigham Personalized Medicine
Classification: Likely benign. Last evaluated: 2016-03-29. Review status: criteria provided, single submitter. Criteria: LMM Criteria. Collection method: clinical testing. Allele origin: germline.
Comment: Variant identified in a genome or exome case(s) and assessed due to predicted null impact of the variant or pathogenic assertions in the literature or databases. Disclaimer: This variant has not undergone full assessment. The following are preliminary notes: No change to splice consensus

NM_030930.4(UNC93B1):c.393-10C>T

Gene: UNC93B1 (unc-93B1 regulator of TLR signaling; minus strand). Cytogenetic location: 11q13.2.
Variant type: single nucleotide variant.
Coding change: c.393-10C>T on transcript NM_030930.4 (MANE Select); 10 bases into the intron before coding-DNA position 393, C replaced by T.
Molecular consequence: intron variant.
Genome position (GRCh38, 1-based): chr11:67,999,690, G>A on the plus strand (C>T on the coding strand, the complement: UNC93B1 is on the minus strand). VCF-style: chr11-67999690-G-A. GRCh37 (hg19) VCF-style: chr11-67767160-G-A.
Identifiers: ClinVar variation 403595 (VCV000403595.19), dbSNP rs117183629, ClinGen allele CA6145667.
Genomic context (GRCh38, chr11:67,999,690, plus strand): 5'-AGGGCGTAGATGCCCACAGCGAGGAACATCATCCACTTCGTTCCAAAAAACCTGCGGACA[G>A]TGGGAGAGATGCTGGCACCACAGGCCTGCTGGACCACTGTGGCCTGAAGCCAAACGGGGC-3'